The following is an entry in ClinVar:

ClinVar aggregate classification (germline): Uncertain significance (1 of 4 stars; one submission).

Submission:

Women's Health and Genetics/Laboratory Corporation of America, LabCorp
Classification: Uncertain significance. Last evaluated: 2026-04-22. Review status: criteria provided, single submitter. Criteria: LabCorp Variant Classification Summary - May 2015. Collection method: clinical testing. Allele origin: germline.
Comment: Variant summary: GBA1 c.1235A>G (p.Tyr412Cys) results in a non-conservative amino acid change in the encoded protein sequence. Algorithms developed to predict the effect of missense changes on protein structure and function all suggest that this variant is likely to be disruptive. The variant was absent in 1614186 control chromosomes. The available data on variant occurrences in the general population are insufficient to allow any conclusion about variant significance. To our knowledge, no occurrence of c.1235A>G in individuals affected with GBA1-related conditions and no experimental evidence demonstrating its impact on protein function have been reported. No submitters have cited clinical-significance assessments for this variant to ClinVar. Based on the evidence outlined above, the variant was classified as uncertain significance.

NM_000157.4(GBA1):c.1235A>G (p.Tyr412Cys)

Genes: GBA1 (glucosylceramidase beta 1; minus strand), LOC106627981 (GBA recombination region; plus strand). Cytogenetic location: 1q22.
Variant type: single nucleotide variant.
Coding change: c.1235A>G on transcript NM_000157.4 (MANE Select); coding-DNA position 1235, A replaced by G.
Protein change: p.Tyr412Cys; replaces tyrosine 412 with cysteine.
Molecular consequence: missense variant.
Genome position (GRCh38, 1-based): chr1:155,235,834, T>C on the plus strand (A>G on the coding strand, the complement: GBA1 is on the minus strand). VCF-style: chr1-155235834-T-C. GRCh37 (hg19) VCF-style: chr1-155205625-T-C.
Other names: c.1235A>G, p.Tyr412Cys (NM_001005741.3, NM_001005742.3); c.974A>G, p.Tyr325Cys (NM_001171811.2); c.1088A>G, p.Tyr363Cys (NM_001171812.2); short protein forms Y325C, Y363C, Y412C.
Identifiers: ClinVar variation 4849163 (VCV004849163.1).